The following is an entry in ClinVar:

NM_001005273.3(CHD3):c.296C>T (p.Pro99Leu)

Gene: CHD3 (chromodomain helicase DNA binding protein 3; plus strand). Cytogenetic location: 17p13.1.
Variant type: single nucleotide variant.
Coding change: c.296C>T on transcript NM_001005273.3 (MANE Select); coding-DNA position 296, C replaced by T.
Protein change: p.Pro99Leu; replaces proline 99 with leucine.
Molecular consequence: missense variant.
Genome position (GRCh38, 1-based): chr17:7,890,653, C>T. VCF-style: chr17-7890653-C-T. GRCh37 (hg19) VCF-style: chr17-7793971-C-T.
Other names: c.473C>T, p.Pro158Leu (NM_001005271.3, NM_001437504.1, NM_001437507.1 and 2 more transcripts); c.296C>T, p.Pro99Leu (NM_005852.4); short protein forms P99L, P158L.
Identifiers: ClinVar variation 4977311 (VCV004977311.1).

ClinVar aggregate classification (germline): Likely benign (1 of 4 stars; one submission).

Conditions:
CHD3-related disorder. Also called: CHD3-related condition.

gnomAD v4.1: 87 of 1,603,744 alleles (0.0054%); highest among the groups gnomAD compares: Middle Eastern, 0.017%; no homozygotes.

Submission:

PreventionGenetics, part of Exact Sciences
Classification: Likely benign for CHD3-related condition. Last evaluated: 2025-04-28. Review status: criteria provided, single submitter. Criteria: ACMG Guidelines, 2015. Collection method: clinical testing. Allele origin: germline.
Comment: This variant is classified as likely benign based on ACMG/AMP sequence variant interpretation guidelines (Richards et al. 2015 PMID: 25741868, with internal and published modifications).